The following is an entry in ClinVar:

ClinVar aggregate classification (germline): Uncertain significance (1 of 4 stars; one submission).

Conditions:
Nephrolithiasis/nephrocalcinosis. Identifiers: MedGen CN580796.

Submission:

Ambry Genetics
Classification: Uncertain significance for Nephrolithiasis/nephrocalcinosis. Last evaluated: 2022-07-01. Review status: criteria provided, single submitter. Criteria: Ambry Variant Classification Scheme 2023. Collection method: clinical testing. Allele origin: germline.
Comment: The p.S663A variant (also known as c.1987T>G), located in coding exon 6 of the CASR gene, results from a T to G substitution at nucleotide position 1987. The serine at codon 663 is replaced by alanine, an amino acid with similar properties. This amino acid position is conserved. In addition, the in silico prediction for this alteration is inconclusive. Since supporting evidence is limited at this time, the clinical significance of this alteration remains unclear.

NM_000388.4(CASR):c.1987T>G (p.Ser663Ala)

Gene: CASR (calcium sensing receptor; plus strand). Cytogenetic location: 3q21.1.
Variant type: single nucleotide variant.
Coding change: c.1987T>G on transcript NM_000388.4 (MANE Select); coding-DNA position 1987, T replaced by G.
Protein change: p.Ser663Ala; replaces serine 663 with alanine.
Molecular consequence: missense variant.
Genome position (GRCh38, 1-based): chr3:122,283,941, T>G. VCF-style: chr3-122283941-T-G. GRCh37 (hg19) VCF-style: chr3-122002788-T-G.
Other names: c.2017T>G, p.Ser673Ala (NM_001178065.2); short protein forms S663A, S673A.
Identifiers: ClinVar variation 1783894 (VCV001783894.2), dbSNP rs2074927053, ClinGen allele CA354158246.